The following is an entry in ClinVar:

ClinVar aggregate classification (germline): Uncertain significance (1 of 4 stars; one submission).

Conditions:
Immunodeficiency 104. Also called: SCID, AUTOSOMAL RECESSIVE, T CELL-NEGATIVE, B CELL-POSITIVE, NK CELL-POSITIVE; Severe combined immunodeficiency, autosomal recessive, T cell-negative, B cell-positive, NK cell-positive; IMMUNODEFICIENCY 104, SEVERE COMBINED; Severe Combined Immune Deficiency, Autosomal Recessive, TCell -Negative, B Cell-Positive, NK Cell-Positive, IL7R-Related. Identifiers: MedGen C5676890, MONDO:0012163, OMIM 608971.

Submission:

Labcorp Genetics (formerly Invitae), Labcorp
Classification: Uncertain significance for Immunodeficiency 104. Last evaluated: 2026-01-12. Review status: criteria provided, single submitter. Criteria: Invitae Variant Classification Sherloc (09022015). Collection method: clinical testing. Allele origin: germline.
Comment: This sequence change replaces arginine, which is basic and polar, with proline, which is neutral and non-polar, at codon 140 of the IL7R protein (p.Arg140Pro). This variant is not present in population databases (gnomAD no frequency). This variant has not been reported in the literature in individuals affected with IL7R-related conditions. ClinVar contains an entry for this variant (Variation ID: 1409984). Invitae Evidence Modeling of protein sequence and biophysical properties (such as structural, functional, and spatial information, amino acid conservation, physicochemical variation, residue mobility, and thermodynamic stability) indicates that this missense variant is expected to disrupt IL7R protein function with a positive predictive value of 95%. In summary, the available evidence is currently insufficient to determine the role of this variant in disease. Therefore, it has been classified as a Variant of Uncertain Significance.

NM_002185.5(IL7R):c.419G>C (p.Arg140Pro)

Gene: IL7R (interleukin 7 receptor; plus strand). Cytogenetic location: 5p13.2.
Variant type: single nucleotide variant.
Coding change: c.419G>C on transcript NM_002185.5 (MANE Select); coding-DNA position 419, G replaced by C.
Protein change: p.Arg140Pro; replaces arginine 140 with proline.
Molecular consequence: missense variant. On other transcripts: non-coding transcript variant (1).
Genome position (GRCh38, 1-based): chr5:35,871,095, G>C. VCF-style: chr5-35871095-G-C. GRCh37 (hg19) VCF-style: chr5-35871197-G-C.
Other names: short protein forms R140P.
Identifiers: ClinVar variation 1409984 (VCV001409984.8), dbSNP rs200373233, ClinGen allele CA359429804.